The following is an entry in ClinVar:

ClinVar aggregate classification (germline): Uncertain significance (1 of 4 stars; one submission).

Conditions:
LAMA2-related muscular dystrophy (LAMA2-RD). Also called: Laminin alpha 2-related dystrophy. Identifiers: MedGen C5679788, MONDO:0100228.

Allele frequency attached by ClinVar (database versions not stated): gnomAD exomes below 0.00001; TOPMed below 0.00001; gnomAD 0.00001.
gnomAD v4.1: 2 of 1,614,016 alleles (0.00012%); highest among the groups gnomAD compares: Admixed American, 0.0033%; no homozygotes.

Submission:

Labcorp Genetics (formerly Invitae), Labcorp
Classification: Uncertain significance for LAMA2-related muscular dystrophy. Last evaluated: 2022-07-06. Review status: criteria provided, single submitter. Criteria: Invitae Variant Classification Sherloc (09022015). Collection method: clinical testing. Allele origin: germline.
Comment: This sequence change replaces leucine, which is neutral and non-polar, with proline, which is neutral and non-polar, at codon 3111 of the LAMA2 protein (p.Leu3111Pro). This variant is not present in population databases (gnomAD no frequency). This variant has not been reported in the literature in individuals affected with LAMA2-related conditions. ClinVar contains an entry for this variant (Variation ID: 933600). Advanced modeling of protein sequence and biophysical properties (such as structural, functional, and spatial information, amino acid conservation, physicochemical variation, residue mobility, and thermodynamic stability) performed at Invitae indicates that this missense variant is not expected to disrupt LAMA2 protein function. In summary, the available evidence is currently insufficient to determine the role of this variant in disease. Therefore, it has been classified as a Variant of Uncertain Significance.

NM_000426.4(LAMA2):c.9332T>C (p.Leu3111Pro)

Gene: LAMA2 (laminin subunit alpha 2; plus strand). Cytogenetic location: 6q22.33.
Variant type: single nucleotide variant.
Coding change: c.9332T>C on transcript NM_000426.4 (MANE Select); coding-DNA position 9332, T replaced by C.
Protein change: p.Leu3111Pro; replaces leucine 3111 with proline.
Molecular consequence: missense variant.
Genome position (GRCh38, 1-based): chr6:129,516,310, T>C. VCF-style: chr6-129516310-T-C. GRCh37 (hg19) VCF-style: chr6-129837455-T-C.
Other names: c.9320T>C, p.Leu3107Pro (NM_001079823.2); short protein forms L3111P, L3107P.
Identifiers: ClinVar variation 933600 (VCV000933600.5), dbSNP rs1490263124, ClinGen allele CA365637468.
Genomic context (GRCh38, chr6:129,516,310, plus strand): 5'-TGAAGCTCACCAAAGGCACAGGCAAGCCACTGGAGGTTAATTTTGCCAAGGCCCTGGAAC[T>C]GAGGGGCGTTCAACCTGTATCATGCCCAGCCAACTAATAAAAATAAGTGTAACCCCAGGA-3'
Protein context (NP_000417.3, residues 3101-3121): LEVNFAKALE[Leu3111Pro]RGVQPVSCPA